The following is an entry in ClinVar:

NM_130384.3(ATRIP):c.1366G>A (p.Val456Met)

Genes: ATRIP-TREX1 (ATRIP-TREX1 readthrough; plus strand), ATRIP (ATR interacting protein; plus strand). Cytogenetic location: 3p21.31.
Variant type: single nucleotide variant.
Coding change: c.1366G>A on transcript NM_130384.3 (MANE Select); coding-DNA position 1366, G replaced by A.
Protein change: p.Val456Met; replaces valine 456 with methionine.
Molecular consequence: missense variant. On other transcripts: non-coding transcript variant (1).
Genome position (GRCh38, 1-based): chr3:48,460,420, G>A. VCF-style: chr3-48460420-G-A. GRCh37 (hg19) VCF-style: chr3-48501819-G-A.
Other names: c.1366G>A (NM_130384.1); c.985G>A, p.Val329Met (NM_001271022.2); c.1087G>A, p.Val363Met (NM_001271023.2); c.1366G>A, p.Val456Met (NM_032166.4); short protein forms V329M, V456M, V363M.
Identifiers: ClinVar variation 721612 (VCV000721612.13), dbSNP rs112638898, ClinGen allele CA2376189.

ClinVar aggregate classification (germline): Benign/Likely benign. Review status: criteria provided, multiple submitters, no conflicts (2 of 4 stars). 4 submissions from 4 submitters: Benign (1); Likely benign (2). 1 of the submissions does not count toward it. Last evaluated 2025-12-17.

Conditions:
ATRIP-related disorder. Also called: ATRIP-related condition.

Allele frequency attached by ClinVar (database versions not stated): gnomAD exomes 0.00020 and 0.00062; ExAC 0.00067; gnomAD 0.00216 and 0.00222; ESP Exome Variant Server 0.00231; 1000 Genomes Project 0.00240; 1000 Genomes Project 30x 0.00250; TOPMed 0.00264.

Submissions (4):

Labcorp Genetics (formerly Invitae), Labcorp
Classification: Likely benign. Last evaluated: 2025-12-17. Review status: criteria provided, single submitter. Criteria: Invitae Variant Classification Sherloc (09022015). Collection method: clinical testing. Allele origin: germline.

Ambry Genetics
Classification: Benign. Last evaluated: 2024-10-28. Review status: criteria provided, single submitter. Criteria: Ambry Variant Classification Scheme 2023. Collection method: clinical testing. Allele origin: germline.

Breakthrough Genomics
Classification: Likely benign. Review status: criteria provided, single submitter. Criteria: ACMG Guidelines, 2015. Collection method: not provided. Allele origin: germline. Inheritance: Unknown mechanism. Affected: yes.

PreventionGenetics, part of Exact Sciences
Classification: Likely benign for ATRIP-related condition. Last evaluated: 2019-06-03. Review status: no assertion criteria provided. Collection method: clinical testing. Allele origin: germline. Not counted in ClinVar's aggregate classification.
Comment: This variant is classified as likely benign based on ACMG/AMP sequence variant interpretation guidelines (Richards et al. 2015 PMID: 25741868, with internal and published modifications).